The following is an entry in ClinVar:

ClinVar aggregate classification (germline): Uncertain significance (1 of 4 stars; one submission).

Conditions:
Danon disease. Also called: Glycogen Storage Disease Type IIb; GSD IIb; LYSOSOMAL GLYCOGEN STORAGE DISEASE WITHOUT ACID MALTASE DEFICIENCY; PSEUDOGLYCOGENOSIS II; ANTOPOL DISEASE. Identifiers: Orphanet 34587, MedGen C0878677, MONDO:0010281, OMIM 300257.

Allele frequency attached by ClinVar (database versions not stated): gnomAD exomes below 0.00001.
gnomAD v4.1: 1 of 1,209,906 alleles (0.000083%); highest among the groups gnomAD compares: Admixed American, 0.0022%; no homozygotes.

Submission:

Labcorp Genetics (formerly Invitae), Labcorp
Classification: Uncertain significance for Danon disease. Last evaluated: 2023-04-12. Review status: criteria provided, single submitter. Criteria: Invitae Variant Classification Sherloc (09022015). Collection method: clinical testing. Allele origin: germline.
Comment: This variant is not present in population databases (gnomAD no frequency). In summary, the available evidence is currently insufficient to determine the role of this variant in disease. Therefore, it has been classified as a Variant of Uncertain Significance. Advanced modeling of protein sequence and biophysical properties (such as structural, functional, and spatial information, amino acid conservation, physicochemical variation, residue mobility, and thermodynamic stability) performed at Invitae indicates that this missense variant is not expected to disrupt LAMP2 protein function. ClinVar contains an entry for this variant (Variation ID: 933558). This variant has not been reported in the literature in individuals affected with LAMP2-related conditions. This sequence change replaces lysine, which is basic and polar, with glutamic acid, which is acidic and polar, at codon 191 of the LAMP2 protein (p.Lys191Glu).

NM_002294.3(LAMP2):c.571A>G (p.Lys191Glu)

Gene: LAMP2 (lysosome associated membrane protein 2; minus strand). Cytogenetic location: Xq24.
Variant type: single nucleotide variant.
Coding change: c.571A>G on transcript NM_002294.3 (MANE Select); coding-DNA position 571, A replaced by G.
Protein change: p.Lys191Glu; replaces lysine 191 with glutamic acid.
Molecular consequence: missense variant.
Genome position (GRCh38, 1-based): chrX:120,448,011, T>C on the plus strand (A>G on the coding strand, the complement: LAMP2 is on the minus strand). VCF-style: chrX-120448011-T-C. GRCh37 (hg19) VCF-style: chrX-119581866-T-C.
Other names: c.571A>G, p.Lys191Glu (NM_013995.2, NM_001122606.1); short protein forms K191E.
Identifiers: ClinVar variation 933558 (VCV000933558.9), dbSNP rs2058605695, ClinGen allele CA414401730.